The following is an entry in ClinVar:

ClinVar aggregate classification (germline): Uncertain significance (1 of 4 stars; one submission).

gnomAD v4.1: 6 of 1,550,576 alleles (0.00039%); highest among the groups gnomAD compares: African/African-American, 0.0068%; no homozygotes.

Submission:

GeneDx
Classification: Uncertain significance. Last evaluated: 2025-07-15. Review status: criteria provided, single submitter. Criteria: GeneDx Variant Classification Process June 2021. Collection method: clinical testing. Allele origin: germline. Affected: yes.
Comment: Not observed at significant frequency in large population cohorts (gnomAD); In silico analysis suggests that this variant does not alter splicing; Has not been previously published as pathogenic or benign to our knowledge

NM_001145026.2(PTPRQ):c.5914C>A (p.Arg1972=)

Gene: PTPRQ (protein tyrosine phosphatase receptor type Q; plus strand). Cytogenetic location: 12q21.31.
Variant type: single nucleotide variant.
Coding change: c.5914C>A on transcript NM_001145026.2 (MANE Select); coding-DNA position 5914, C replaced by A.
Protein change: p.Arg1972=; no amino-acid change (arginine 1972 retained).
Molecular consequence: synonymous variant.
Genome position (GRCh38, 1-based): chr12:80,635,072, C>A. VCF-style: chr12-80635072-C-A. GRCh37 (hg19) VCF-style: chr12-81028851-C-A.
Identifiers: ClinVar variation 4686171 (VCV004686171.1).